The following is an entry in ClinVar:

ClinVar aggregate classification (germline): Likely benign (0 of 4 stars; one submission).

Conditions:
NXNL1-related disorder. Also called: NXNL1-related condition.

Allele frequency attached by ClinVar (database versions not stated): TOPMed 0.00005; gnomAD 0.00007; gnomAD exomes 0.00012; 1000 Genomes Project 30x 0.00016; ExAC 0.00017; 1000 Genomes Project 0.00020.
gnomAD v4.1: 179 of 1,613,866 alleles (0.011%); highest among the groups gnomAD compares: South Asian, 0.099%; no homozygotes.

Submission:

PreventionGenetics, part of Exact Sciences
Classification: Likely benign for NXNL1-related condition. Last evaluated: 2019-07-03. Review status: no assertion criteria provided. Collection method: clinical testing. Allele origin: germline.
Comment: This variant is classified as likely benign based on ACMG/AMP sequence variant interpretation guidelines (Richards et al. 2015 PMID: 25741868, with internal and published modifications).

NM_138454.2(NXNL1):c.66G>A (p.Thr22=)

Gene: NXNL1 (nucleoredoxin like 1; minus strand). Cytogenetic location: 19p13.11.
Variant type: single nucleotide variant.
Coding change: c.66G>A on transcript NM_138454.2 (MANE Select); coding-DNA position 66, G replaced by A.
Protein change: p.Thr22=; no amino-acid change (threonine 22 retained).
Molecular consequence: synonymous variant.
Genome position (GRCh38, 1-based): chr19:17,460,804, C>T on the plus strand (G>A on the coding strand, the complement: NXNL1 is on the minus strand). VCF-style: chr19-17460804-C-T. GRCh37 (hg19) VCF-style: chr19-17571613-C-T.
Identifiers: ClinVar variation 3034050 (VCV003034050.2), dbSNP rs199712483, ClinGen allele CA9295001.